The following is an entry in ClinVar:

NM_032043.3(BRIP1):c.*2908C>T

Gene: BRIP1 (BRCA1 interacting DNA helicase 1; minus strand). Cytogenetic location: 17q23.2.
Variant type: single nucleotide variant.
Coding change: c.*2908C>T on transcript NM_032043.3 (MANE Select); 2908 bases downstream of the stop codon, C replaced by T.
Molecular consequence: 3 prime UTR variant.
Genome position (GRCh38, 1-based): chr17:61,680,388, G>A on the plus strand (C>T on the coding strand, the complement: BRIP1 is on the minus strand). VCF-style: chr17-61680388-G-A. GRCh37 (hg19) VCF-style: chr17-59757749-G-A.
Identifiers: ClinVar variation 324302 (VCV000324302.5), dbSNP rs549941795, ClinGen allele CA10646315.
Genomic context (GRCh38, chr17:61,680,388, plus strand): 5'-AGCGACAGAGCAAGACTGTCTAAAACAAACAAACAAAAACATATCTAGCTAGGGAAAGGG[G>A]AAAGTATTGGAGATGAAGTTGGGTAATAACACTAAGATATGAATAATATGCTTAATTTTC-3'

ClinVar aggregate classification (germline): Likely benign (1 of 4 stars; one submission).

Conditions:
Fanconi anemia complementation group J. Also called: BRIP1-Related Fanconi Anemia. Identifiers: Orphanet 84, MedGen C1836860, MONDO:0012187, OMIM 609054.

Allele frequency attached by ClinVar (database versions not stated): gnomAD below 0.00001 and 0.00020; TOPMed 0.00002; 1000 Genomes Project 30x 0.00141; 1000 Genomes Project 0.00180.
gnomAD v4.1: 29 of 151,320 alleles (0.019%); highest among the groups gnomAD compares: South Asian, 0.58%; no homozygotes.

Submission:

Illumina Laboratory Services, Illumina
Classification: Likely benign for Fanconi anemia complementation group J. Last evaluated: 2018-01-13. Review status: criteria provided, single submitter. Criteria: ICSL Variant Classification Criteria 13 December 2019. Collection method: clinical testing. Allele origin: germline.
Comment: This variant was observed in the ICSL laboratory as part of a predisposition screen in an ostensibly healthy population. It had not been previously curated by ICSL or reported in the Human Gene Mutation Database (HGMD: prior to June 1st, 2018), and was therefore a candidate for classification through an automated scoring system. Utilizing variant allele frequency, disease prevalence and penetrance estimates, and inheritance mode, an automated score was calculated to assess if this variant is too frequent to cause the disease. Based on the score and internal cut-off values, a variant classified as likely benign is not then subjected to further curation. The score for this variant resulted in a classification of likely benign for this disease.